The following is an entry in ClinVar:

NM_025114.4(CEP290):c.1625T>C (p.Ile542Thr)

Gene: CEP290 (centrosomal protein 290; minus strand). Cytogenetic location: 12q21.32.
Variant type: single nucleotide variant.
Coding change: c.1625T>C on transcript NM_025114.4 (MANE Select); coding-DNA position 1625, T replaced by C.
Protein change: p.Ile542Thr; replaces isoleucine 542 with threonine.
Molecular consequence: missense variant.
Genome position (GRCh38, 1-based): chr12:88,118,569, A>G on the plus strand (T>C on the coding strand, the complement: CEP290 is on the minus strand). VCF-style: chr12-88118569-A-G. GRCh37 (hg19) VCF-style: chr12-88512346-A-G.
Other names: short protein forms I542T.
Identifiers: ClinVar variation 845378 (VCV000845378.8), dbSNP rs1180698614, ClinGen allele CA385979039.
Genomic context (GRCh38, chr12:88,118,569, plus strand): 5'-TCTTGAGCCATTTGACGAATTTTTTTTTTCAGATCAAGTCGTTCTTCCTCTAGACTTTCA[A>G]TCTGCAAAGTATAAATTATTAGTATTTCTCTATAGTTCAGCCAAGAAAATAATCAACTGA-3'
Protein context (NP_079390.3, residues 532-552): RAENQILLKE[Ile542Thr]ESLEEERLDL

ClinVar aggregate classification (germline): Uncertain significance. Review status: criteria provided, multiple submitters, no conflicts (2 of 4 stars). 2 submissions from 2 submitters: Uncertain significance (2). Last evaluated 2021-09-02.

Conditions:
Joubert syndrome. Also called: JOUBERT-BOLTSHAUSER SYNDROME; Familial aplasia of the vermis. Identifiers: Orphanet 475, MedGen C5979921, MONDO:0018772.
Meckel-Gruber syndrome. Also called: DYSENCEPHALIA SPLANCHNOCYSTICA; GRUBER SYNDROME; Dysencephalia splachnocystica. Identifiers: Orphanet 564, MedGen C0265215, MONDO:0018921.
Nephronophthisis. Also called: Juvenile Nephronophthisis. Identifiers: Orphanet 655, MedGen C0687120, MONDO:0019005, HP:0000090.

Allele frequency attached by ClinVar (database versions not stated): TOPMed 0.00002.
gnomAD v4.1: 1 of 1,602,246 alleles (0.000062%); no homozygotes.

Submissions (2):

Labcorp Genetics (formerly Invitae), Labcorp
Classification: Uncertain significance for Joubert syndrome; Meckel-Gruber syndrome; Nephronophthisis. Last evaluated: 2021-09-02. Review status: criteria provided, single submitter. Criteria: Invitae Variant Classification Sherloc (09022015). Collection method: clinical testing. Allele origin: germline.
Comment: This sequence change replaces isoleucine with threonine at codon 542 of the CEP290 protein (p.Ile542Thr). The isoleucine residue is moderately conserved and there is a moderate physicochemical difference between isoleucine and threonine. This variant is not present in population databases (ExAC no frequency). This variant has not been reported in the literature in individuals affected with CEP290-related conditions. Algorithms developed to predict the effect of missense changes on protein structure and function are either unavailable or do not agree on the potential impact of this missense change (SIFT: "Tolerated"; PolyPhen-2: "Possibly Damaging"; Align-GVGD: "Class C0"). In summary, the available evidence is currently insufficient to determine the role of this variant in disease. Therefore, it has been classified as a Variant of Uncertain Significance.

Blueprint Genetics
Classification: Uncertain significance. Last evaluated: 2018-10-12. Review status: criteria provided, single submitter. Criteria: ACMG Guidelines, 2015. Collection method: clinical testing. Allele origin: germline.